The following is an entry in ClinVar:

NM_000256.3(MYBPC3):c.3707_3708delinsGA (p.Leu1236Ter)

Gene: MYBPC3 (myosin binding protein C3; minus strand). Cytogenetic location: 11p11.2.
Variant type: Indel.
Coding change: c.3707_3708delinsGA on transcript NM_000256.3 (MANE Select); coding-DNA positions 3707 to 3708, TG replaced by GA.
Protein change: p.Leu1236Ter; replaces leucine 1236 with a stop codon.
Molecular consequence: nonsense.
Genome position (GRCh38, 1-based): chr11:47,332,178-47,332,179, CA replaced by TC on the plus strand (TG replaced by GA on the coding strand, the reverse complement: MYBPC3 is on the minus strand). VCF-style: chr11-47332178-CA-TC. GRCh37 (hg19) VCF-style: chr11-47353729-CA-TC.
Other names: short protein forms L1236*.
Identifiers: ClinVar variation 3900625 (VCV003900625.1).

ClinVar aggregate classification (germline): Likely pathogenic (1 of 4 stars; one submission).

Conditions:
Hypertrophic cardiomyopathy 4. Also called: Familial hypertrophic cardiomyopathy 4. Identifiers: MedGen C1861862, MONDO:0007268, OMIM 115197.

Submission:

Clinical Genomics Laboratory, Stanford Medicine
Classification: Likely pathogenic for Hypertrophic cardiomyopathy 4. Last evaluated: 2022-03-17. Review status: criteria provided, single submitter. Criteria: ACMG Guidelines, 2015. Collection method: clinical testing. Allele origin: germline. Inheritance: Autosomal dominant inheritance. Affected: yes. Observed: 1 variant allele, 1 heterozygote.
Comment: The p.Leu1236* variant in the MYBPC3 gene has not been previously reported in association with disease. This variant was absent from large population databases, including the Genome Aggregation Database. This variant leads to a premature stop codon in exon 33 of 34 coding exons, and is therefore predicted to undergo nonsense-mediated decay resulting in a truncated or absent protein. Heterozygous loss of function is an established mechanism of disease for the MYBPC3 gene. These data were assessed using the ACMG/AMP variant interpretation guidelines. In summary, there is sufficient evidence to classify the p.Leu1236* variant as likely pathogenic for hypertrophic cardiomyopathy in an autosomal dominant manner based on the information above. [ACMG evidence codes used: PVS1; PM2]